The following is an entry in ClinVar:

NM_001100.4(ACTA1):c.391G>A (p.Val131Met)

Gene: ACTA1 (actin alpha 1, skeletal muscle; minus strand). Cytogenetic location: 1q42.13.
Variant type: single nucleotide variant.
Coding change: c.391G>A on transcript NM_001100.4 (MANE Select); coding-DNA position 391, G replaced by A.
Protein change: p.Val131Met; replaces valine 131 with methionine.
Molecular consequence: missense variant.
Genome position (GRCh38, 1-based): chr1:229,432,619, C>T on the plus strand (G>A on the coding strand, the complement: ACTA1 is on the minus strand). VCF-style: chr1-229432619-C-T. GRCh37 (hg19) VCF-style: chr1-229568366-C-T.
Other names: short protein forms V131M.
Identifiers: ClinVar variation 858634 (VCV000858634.14), dbSNP rs1273559032, ClinGen allele CA345149435.

ClinVar aggregate classification (germline): Uncertain significance (1 of 4 stars; one submission).

Conditions:
Actin accumulation myopathy (CMYO2A). Also called: CONGENITAL MYOPATHY 2A, TYPICAL, AUTOSOMAL DOMINANT; Nemaline myopathy type 3; Myopathy, actin, congenital, with excess of thin myofilaments; Myopathy, actin, congenital, with cores; Nemaline myopathy 3, with intranuclear rods. Identifiers: Orphanet 98904, MedGen C3711389, MONDO:0008070, OMIM 161800.

Allele frequency attached by ClinVar (database versions not stated): TOPMed 0.00002; gnomAD exomes below 0.00001.
gnomAD v4.1: 5 of 1,613,918 alleles (0.00031%); highest among the groups gnomAD compares: Non-Finnish European, 0.00042%; no homozygotes.

Submission:

Labcorp Genetics (formerly Invitae), Labcorp
Classification: Uncertain significance for Actin accumulation myopathy. Last evaluated: 2023-09-29. Review status: criteria provided, single submitter. Criteria: Invitae Variant Classification Sherloc (09022015). Collection method: clinical testing. Allele origin: germline.
Comment: This sequence change replaces valine, which is neutral and non-polar, with methionine, which is neutral and non-polar, at codon 131 of the ACTA1 protein (p.Val131Met). This variant is not present in population databases (gnomAD no frequency). This variant has not been reported in the literature in individuals affected with ACTA1-related conditions. ClinVar contains an entry for this variant (Variation ID: 858634). Advanced modeling of protein sequence and biophysical properties (such as structural, functional, and spatial information, amino acid conservation, physicochemical variation, residue mobility, and thermodynamic stability) performed at Invitae indicates that this missense variant is not expected to disrupt ACTA1 protein function. In summary, the available evidence is currently insufficient to determine the role of this variant in disease. Therefore, it has been classified as a Variant of Uncertain Significance.